The following is an entry in ClinVar:

ClinVar aggregate classification (germline): Uncertain significance (0 of 4 stars; one submission).

Conditions:
Nephrotic syndrome, type 12 (NPHS12). Identifiers: Orphanet 656, MedGen C4225166, MONDO:0014817, OMIM 616892.

gnomAD v4.1: 2 of 1,613,704 alleles (0.00012%); highest among the groups gnomAD compares: Admixed American, 0.0017%; no homozygotes.

Submission:

Genetics laboratory, Institute of Kidney Diseases & Research Centre Dr. H.L. Trivedi Institute Of Transplantation Sciences
Classification: Uncertain significance for Nephrotic syndrome, type 12. Last evaluated: 2024-06-14. Review status: no assertion criteria provided. Collection method: clinical testing. Allele origin: germline. Inheritance: Autosomal recessive inheritance. Affected: yes. Observed: 1 variant allele, 1 homozygote.
Comment: A homozygous missense variant c.1912G>A in NUP93 gene (chr16:56871532; Depth:43x) was detected. The variant replaces valine with isoleucine at 638th amino acid position. This variant is not observed in 1000 genomes, topmed and gnomAD database. In silico predictions suggests the variant to be damaging by MutationTaster, SIFT, CADD and REVEL. Based on the aforementioned evidence, the variant is classified as a variant of uncertain significance based on the ACMG-AMP classification system.

NM_014669.5(NUP93):c.1912G>A (p.Val638Ile)

Gene: NUP93 (nucleoporin 93; plus strand). Cytogenetic location: 16q13.
Variant type: single nucleotide variant.
Coding change: c.1912G>A on transcript NM_014669.5 (MANE Select); coding-DNA position 1912, G replaced by A.
Protein change: p.Val638Ile; replaces valine 638 with isoleucine.
Molecular consequence: missense variant.
Genome position (GRCh38, 1-based): chr16:56,837,620, G>A. VCF-style: chr16-56837620-G-A. GRCh37 (hg19) VCF-style: chr16-56871532-G-A.
Other names: c.1543G>A, p.Val515Ile (NM_001242795.2, NM_001242796.2); short protein forms V515I, V638I.
Identifiers: ClinVar variation 3384680 (VCV003384680.2).